The following is an entry in ClinVar:

NM_032409.3(PINK1):c.*196T>C

Genes: PINK1 (PTEN induced kinase 1; plus strand), PINK1-AS (PINK1 antisense RNA; minus strand). Cytogenetic location: 1p36.12.
Variant type: single nucleotide variant.
Coding change: c.*196T>C on transcript NM_032409.3 (MANE Select); 196 bases downstream of the stop codon, T replaced by C.
Molecular consequence: 3 prime UTR variant. On other transcripts: non-coding transcript variant (1).
Genome position (GRCh38, 1-based): chr1:20,650,887, T>C. VCF-style: chr1-20650887-T-C. GRCh37 (hg19) VCF-style: chr1-20977380-T-C.
Identifiers: ClinVar variation 295014 (VCV000295014.9), dbSNP rs1043443, ClinGen allele CA10608865.

ClinVar aggregate classification (germline): Benign/Likely benign. Review status: criteria provided, multiple submitters, no conflicts (2 of 4 stars). 3 submissions from 3 submitters: Benign (2); Likely benign (1). Last evaluated 2018-07-09.

Conditions:
Autosomal recessive early-onset Parkinson disease 6 (PARK6). Also called: PARKINSON DISEASE 6, EARLY-ONSET; PINK1 Type of Young-Onset Parkinson Disease; PINK1-Related Parkinson Disease; PARKINSON DISEASE 6, MODIFIER OF. Identifiers: Orphanet 2828, MedGen C1853833, MONDO:0011613, OMIM 605909.

Allele frequency attached by ClinVar (database versions not stated): TOPMed 0.26766; gnomAD 0.27336 and 0.27662; gnomAD exomes 0.28878; 1000 Genomes Project 30x 0.29388; 1000 Genomes Project 0.30012.

Submissions (3):

GeneDx
Classification: Benign. Last evaluated: 2018-07-09. Review status: criteria provided, single submitter. Criteria: GeneDx Variant Classification Process June 2021. Collection method: clinical testing. Allele origin: germline. Affected: yes.

Illumina Laboratory Services, Illumina
Classification: Benign for Autosomal recessive early-onset Parkinson disease 6. Last evaluated: 2018-01-12. Review status: criteria provided, single submitter. Criteria: ICSL Variant Classification Criteria 13 December 2019. Collection method: clinical testing. Allele origin: germline.
Comment: This variant was observed in the ICSL laboratory as part of a predisposition screen in an ostensibly healthy population. It had not been previously curated by ICSL or reported in the Human Gene Mutation Database (HGMD: prior to June 1st, 2018), and was therefore a candidate for classification through an automated scoring system. Utilizing variant allele frequency, disease prevalence and penetrance estimates, and inheritance mode, an automated score was calculated to assess if this variant is too frequent to cause the disease. Based on the score and internal cut-off values, a variant classified as benign is not then subjected to further curation. The score for this variant resulted in a classification of benign for this disease.

Breakthrough Genomics
Classification: Likely benign. Review status: criteria provided, single submitter. Criteria: ACMG Guidelines, 2015. Collection method: not provided. Allele origin: germline. Inheritance: Autosomal recessive inheritance. Affected: yes.